The following is an entry in ClinVar:

NM_000169.3(GLA):c.988del (p.Gln330fs)

Genes: GLA (galactosidase alpha; minus strand), RPL36A-HNRNPH2 (RPL36A-HNRNPH2 readthrough; plus strand). Cytogenetic location: Xq22.1.
Variant type: Deletion.
Coding change: c.988del on transcript NM_000169.3 (MANE Select); coding-DNA position 988, one base deleted (C; older notation c.988delC).
Protein change: p.Gln330fs; shifts the reading frame from glutamine 330.
Molecular consequence: frameshift variant. On other transcripts: non-coding transcript variant (3), intron variant (2).
Genome position (GRCh38, 1-based): chrX:101,398,381, G deleted on the plus strand (C on the coding strand, the reverse complement: GLA is on the minus strand); the first of 2 consecutive G bases (chrX:101,398,381-101,398,382); deleting either gives the same sequence. VCF-style (leftmost placement, unchanged base first): chrX-101398380-TG-T. GRCh37 (hg19) VCF-style: chrX-100653368-TG-T.
Other names: c.987delC, p.Gln330Serfs (NM_000169.2); c.1111del, p.Gln371fs (NM_001406747.1); c.988del, p.Gln330fs (NM_001406748.1); c.300+2925del (NM_001199973.2); c.177+6560del (NM_001199974.2); short protein forms Q330fs, Q371fs.
Identifiers: ClinVar variation 928473 (VCV000928473.3), dbSNP rs1928157897, ClinGen allele CA1139667717.

ClinVar aggregate classification (germline): Pathogenic/Likely pathogenic. Review status: criteria provided, multiple submitters, no conflicts (2 of 4 stars). 2 submissions from 2 submitters: Pathogenic (1); Likely pathogenic (1). Last evaluated 2026-09-08.

Conditions:
Fabry disease. Also called: Fabry's disease; Angiokeratoma corporis diffusum; CERAMIDE TRIHEXOSIDASE DEFICIENCY; GLA DEFICIENCY; HEREDITARY DYSTOPIC LIPIDOSIS; ALPHA-GALACTOSIDASE A DEFICIENCY. Identifiers: Orphanet 324, MedGen C0002986, MONDO:0010526, OMIM 301500, HP:0001071. Disease mechanism: loss of function, Fabry disease is due to inactivating mutations in the X-linked GLA gene resulting in deficiency of the enzyme Alpha Galactosidase-A..

Submissions (2):

Genomenon, Inc
Classification: Pathogenic for Fabry disease. Last evaluated: 2026-09-08. Review status: criteria provided, single submitter. Criteria: Genomenon Sequence Variant Interpretation Standards - Updated. Collection method: curation. Allele origin: germline. Affected: yes.
Comment: GLA p.Gln330SerfsTer18 (c.988del) is a frameshift variant that is predicted to introduce a premature termination codon and result in a truncated or absent protein product. This variant has been observed in at least one proband with clinical features consistent with Fabry disease (PMID:8807334;12512750). The variant was found to segregate with disease in at least one affected family (PMID:12512750). It is absent or not present at a significant frequency in gnomAD. In conclusion, we classify GLA p.Gln330SerfsTer18 (c.988del) as a pathogenic variant.

Women's Health and Genetics/Laboratory Corporation of America, LabCorp
Classification: Likely pathogenic for Fabry disease. Last evaluated: 2019-07-03. Review status: criteria provided, single submitter. Criteria: LabCorp Variant Classification Summary - May 2015. Collection method: clinical testing. Allele origin: germline.
Comment: Variant summary: GLA c.988delC (p.Gln330SerfsX18) results in a premature termination codon, predicted to cause a truncation of the encoded protein or absence of the protein due to nonsense mediated decay, which are commonly known mechanisms for disease. Truncations downstream of this position have been classified as pathogenic by our laboratory. The variant was absent in 183449 control chromosomes (gnomAD). c.988delC has been reported in the literature in individuals affected with Fabry Disease (Blanch_1996, Cheung_2012). These data indicate that the variant may be associated with disease. To our knowledge, no experimental evidence demonstrating an impact on protein function has been reported. No clinical diagnostic laboratories have submitted clinical-significance assessments for this variant to ClinVar after 2014. Based on the evidence outlined above, the variant was classified as likely pathogenic.

Literature cited by the submitters: PubMed 8807334 (cited by Genomenon, Inc and Women's Health and Genetics/Laboratory Corporation of America, LabCorp); PubMed 12512750 (cited by Genomenon, Inc); PubMed 23430946 (cited by Women's Health and Genetics/Laboratory Corporation of America, LabCorp); PubMed 25319043 (cited by Women's Health and Genetics/Laboratory Corporation of America, LabCorp).